The following is an entry in ClinVar:

ClinVar aggregate classification (germline): no classifications from unflagged records (0 of 4 stars; one submission).

Submission:

Labcorp Genetics (formerly Invitae), Labcorp
Classification: Uncertain significance. Last evaluated: 2021-09-29. Review status: flagged submission. Criteria: Invitae Variant Classification Sherloc (09022015). Collection method: clinical testing. Allele origin: germline.
Comment: A gross deletion of the genomic region encompassing the full coding sequence of the CTNNA1 gene has been identified. The current clinical and genetic evidence is not sufficient to establish whether loss-of-function variants in CTNNA1 cause disease. The boundaries of this event are unknown as they extend beyond the assayed region for this gene and therefore may encompass additional genes. This variant has not been reported in the literature in individuals affected with CTNNA1-related conditions. In summary, the available evidence is currently insufficient to determine the role of this variant in disease. Therefore, it has been classified as a Variant of Uncertain Significance.
ClinVar note: Notes: This submission was flagged because its interpretation of this variant conflicts with the ClinGen Gene Dosage Map curation for the gene CTNNA1.
ClinVar note: Reason: Conflict with ClinGen Gene Dosage Map

NC_000005.9:g.(?_138088085)_(138271723_?)del

Genes: LRRTM2 (leucine rich repeat transmembrane neuronal 2; minus strand), CTNNA1 (catenin alpha 1; plus strand). Cytogenetic location: 5q31.2.
Variant type: Deletion.
Identifiers: ClinVar variation 1022829 (VCV001022829.2).